The following is an entry in ClinVar:

NM_001128148.3(TFRC):c.77C>T (p.Ala26Val)

Gene: TFRC (transferrin receptor; minus strand). Cytogenetic location: 3q29.
Variant type: single nucleotide variant.
Coding change: c.77C>T on transcript NM_001128148.3 (MANE Select); coding-DNA position 77, C replaced by T.
Protein change: p.Ala26Val; replaces alanine 26 with valine.
Molecular consequence: missense variant. On other transcripts: intron variant (2).
Genome position (GRCh38, 1-based): chr3:196,075,320, G>A on the plus strand (C>T on the coding strand, the complement: TFRC is on the minus strand). VCF-style: chr3-196075320-G-A. GRCh37 (hg19) VCF-style: chr3-195802191-G-A.
Other names: c.77C>T, p.Ala26Val (NM_003234.4); c.-413+1744C>T (NM_001313966.2); c.-5-1195C>T (NM_001313965.2); short protein forms A26V.
Identifiers: ClinVar variation 4711600 (VCV004711600.1).

ClinVar aggregate classification (germline): Uncertain significance (1 of 4 stars; one submission).

Submission:

Labcorp Genetics (formerly Invitae), Labcorp
Classification: Uncertain significance. Last evaluated: 2025-10-15. Review status: criteria provided, single submitter. Criteria: Invitae Variant Classification Sherloc (09022015). Collection method: clinical testing. Allele origin: germline.
Comment: This sequence change replaces alanine, which is neutral and non-polar, with valine, which is neutral and non-polar, at codon 26 of the TFRC protein (p.Ala26Val). This variant is not present in population databases (gnomAD no frequency). This variant has not been reported in the literature in individuals affected with TFRC-related conditions. An algorithm developed to predict the effect of missense changes on protein structure and function (PolyPhen-2) suggests that this variant is likely to be disruptive. In summary, the available evidence is currently insufficient to determine the role of this variant in disease. Therefore, it has been classified as a Variant of Uncertain Significance.